The following is an entry in ClinVar:

ClinVar aggregate classification (germline): Uncertain significance (1 of 4 stars; one submission).

Submission:

Dasa
Classification: Uncertain significance. Last evaluated: 2025-11-24. Review status: criteria provided, single submitter. Criteria: DASA Assertion Criteria. Collection method: clinical testing. Allele origin: germline.
Comment: NM_018896.5(CACNA1G):c.6399+234G>A is an intronic variant. This variant is absent from population databases. The currently available literature and clinical evidence are not sufficient to establish a definitive association between this variant and the reported condition. Therefore, this variant is classified as a variant of uncertain significance.

NM_018896.5(CACNA1G):c.6399+234G>A

Gene: CACNA1G (calcium voltage-gated channel subunit alpha1 G; plus strand). Cytogenetic location: 17q21.33.
Variant type: single nucleotide variant.
Coding change: c.6399+234G>A on transcript NM_018896.5 (MANE Select); 234 bases into the intron after coding-DNA position 6399, G replaced by A.
Molecular consequence: intron variant.
Genome position (GRCh38, 1-based): chr17:50,624,763, G>A. VCF-style: chr17-50624763-G-A. GRCh37 (hg19) VCF-style: chr17-48702124-G-A.
Other names: c.6141+234G>A (NM_001256325.2); c.6366+234G>A (NM_198377.3); c.6231+234G>A (NM_198380.3); c.6087+234G>A (NM_198378.3, NM_001256334.2); c.6264+234G>A (NM_198385.3); c.6120+234G>A (NM_198384.3, NM_001256333.2); c.6099+234G>A (NM_001256327.2); c.6210+234G>A (NM_001256324.2); and 15 more.
Identifiers: ClinVar variation 4886022 (VCV004886022.2).
Genomic context (GRCh38, chr17:50,624,763, plus strand): 5'-TGCCTTCTTGAAATTTGCACCCAGTTCCTTGTTCCACTGAGGAGGCCTGGAGACCAGAAG[G>A]GGTAGTGCTTGCCCAGGGTCATGCCTATCTGGTCGGAGGTAGAACCCCAGTCTCTGGTCT-3'